The following is an entry in ClinVar:

NM_002474.3(MYH11):c.2886G>A (p.Glu962=)

Gene: MYH11 (myosin heavy chain 11; minus strand). Cytogenetic location: 16p13.11.
Variant type: single nucleotide variant.
Coding change: c.2886G>A on transcript NM_002474.3 (MANE Select); coding-DNA position 2886, G replaced by A.
Protein change: p.Glu962=; no amino-acid change (glutamic acid 962 retained).
Molecular consequence: synonymous variant.
Genome position (GRCh38, 1-based): chr16:15,740,162, C>T on the plus strand (G>A on the coding strand, the complement: MYH11 is on the minus strand). VCF-style: chr16-15740162-C-T. GRCh37 (hg19) VCF-style: chr16-15834019-C-T.
Other names: c.2907G>A, p.Glu969= (NM_001040113.2, NM_001040114.2); c.2886G>A, p.Glu962= (NM_022844.3).
Identifiers: ClinVar variation 921750 (VCV000921750.12), dbSNP rs764759988, ClinGen allele CA7922147.

ClinVar aggregate classification (germline): Likely benign. Review status: criteria provided, multiple submitters, no conflicts (2 of 4 stars). 5 submissions from 5 submitters: Likely benign (5). Last evaluated 2026-06-01.

Conditions:
Familial thoracic aortic aneurysm and aortic dissection (TAAD). Also called: Thoracic aortic aneurysms and dissections. Identifiers: Orphanet 91387, MedGen C4707243, MONDO:0019625.
Aortic aneurysm, familial thoracic 4 (AAT4). Also called: AORTIC ANEURYSM/AORTIC DISSECTION AND PATENT DUCTUS ARTERIOSUS. Identifiers: MedGen C1851504, MONDO:0007568, OMIM 132900.

Allele frequency attached by ClinVar (database versions not stated): gnomAD exomes 0.00001 and 0.00003; ExAC 0.00002; gnomAD 0.00002; TOPMed 0.00002.
gnomAD v4.1: 15 of 1,614,040 alleles (0.00093%); highest among the groups gnomAD compares: Admixed American, 0.013%; no homozygotes.

Submissions (5):

CeGaT Center for Human Genetics Tuebingen
Classification: Likely benign. Last evaluated: 2026-06-01. Review status: criteria provided, single submitter. Criteria: CeGaT Center For Human Genetics Tuebingen Variant Classification Criteria Version 2. Collection method: clinical testing. Allele origin: germline. Affected: yes. Observed: 1 variant allele.
Comment: MYH11: BP4, BP7

All of Us Research Program, National Institutes of Health
Classification: Likely benign for Familial thoracic aortic aneurysm and aortic dissection. Last evaluated: 2024-08-23. Review status: criteria provided, single submitter. Criteria: ACMG Guidelines, 2015. Collection method: clinical testing. Allele origin: germline. Inheritance: Autosomal dominant inheritance. Observed: 3 variant alleles, 3 heterozygotes.
Comment: This study involves interpretation of variants in research participants for the purpose of population health screening. Participant phenotype was not available at the time of variant classification. Additional details can be found in publication PMID: 35346344, PMCID: PMC8962531

Labcorp Genetics (formerly Invitae), Labcorp
Classification: Likely benign for Aortic aneurysm, familial thoracic 4. Last evaluated: 2023-09-20. Review status: criteria provided, single submitter. Criteria: Invitae Variant Classification Sherloc (09022015). Collection method: clinical testing. Allele origin: germline.

Ambry Genetics
Classification: Likely benign for Familial thoracic aortic aneurysm and aortic dissection. Last evaluated: 2022-04-21. Review status: criteria provided, single submitter. Criteria: Ambry Variant Classification Scheme 2023. Collection method: clinical testing. Allele origin: germline.

Color Diagnostics, LLC DBA Color Health
Classification: Likely benign for Familial thoracic aortic aneurysm and aortic dissection. Last evaluated: 2019-05-20. Review status: criteria provided, single submitter. Criteria: ACMG Guidelines, 2015. Collection method: clinical testing. Allele origin: germline.